The following is an entry in ClinVar:

NM_001286611.2(REPS1):c.583G>A (p.Ala195Thr)

Gene: REPS1 (RALBP1 associated Eps domain containing 1; minus strand). Cytogenetic location: 6q24.1.
Variant type: single nucleotide variant.
Coding change: c.583G>A on transcript NM_001286611.2 (MANE Select); coding-DNA position 583, G replaced by A.
Protein change: p.Ala195Thr; replaces alanine 195 with threonine.
Molecular consequence: missense variant.
Genome position (GRCh38, 1-based): chr6:138,945,264, C>T on the plus strand (G>A on the coding strand, the complement: REPS1 is on the minus strand). VCF-style: chr6-138945264-C-T. GRCh37 (hg19) VCF-style: chr6-139266401-C-T.
Other names: c.583G>A, p.Ala195Thr (NM_001128617.3, NM_001286612.2, NM_031922.5); short protein forms A195T.
Identifiers: ClinVar variation 1419168 (VCV001419168.6), dbSNP rs369445382, ClinGen allele CA4024421.

ClinVar aggregate classification (germline): Uncertain significance (1 of 4 stars; one submission).

Allele frequency attached by ClinVar (database versions not stated): gnomAD 0.00001 and 0.00006; gnomAD exomes 0.00004 and 0.00008; ExAC 0.00009; 1000 Genomes Project 30x 0.00031; 1000 Genomes Project 0.00040.
gnomAD v4.1: 92 of 1,610,970 alleles (0.0057%); highest among the groups gnomAD compares: South Asian, 0.053%; 2 homozygotes.

Submission:

Labcorp Genetics (formerly Invitae), Labcorp
Classification: Uncertain significance. Last evaluated: 2025-08-15. Review status: criteria provided, single submitter. Criteria: Invitae Variant Classification Sherloc (09022015). Collection method: clinical testing. Allele origin: germline.
Comment: This sequence change replaces alanine, which is neutral and non-polar, with threonine, which is neutral and polar, at codon 195 of the REPS1 protein (p.Ala195Thr). This variant is present in population databases (rs369445382, gnomAD 0.04%). This variant has not been reported in the literature in individuals affected with REPS1-related conditions. ClinVar contains an entry for this variant (Variation ID: 1419168). Invitae Evidence Modeling of protein sequence and biophysical properties (such as structural, functional, and spatial information, amino acid conservation, physicochemical variation, residue mobility, and thermodynamic stability) indicates that this missense variant is not expected to disrupt REPS1 protein function with a negative predictive value of 80%. In summary, the available evidence is currently insufficient to determine the role of this variant in disease. Therefore, it has been classified as a Variant of Uncertain Significance.